The following is an entry in ClinVar:

NM_032119.4(ADGRV1):c.1793T>C (p.Ile598Thr)

Gene: ADGRV1 (adhesion G protein-coupled receptor V1; plus strand). Cytogenetic location: 5q14.3.
Variant type: single nucleotide variant.
Coding change: c.1793T>C on transcript NM_032119.4 (MANE Select); coding-DNA position 1793, T replaced by C.
Protein change: p.Ile598Thr; replaces isoleucine 598 with threonine.
Molecular consequence: missense variant. On other transcripts: non-coding transcript variant (1).
Genome position (GRCh38, 1-based): chr5:90,629,493, T>C. VCF-style: chr5-90629493-T-C. GRCh37 (hg19) VCF-style: chr5-89925310-T-C.
Other names: c.1793T>C (NM_032119.3); short protein forms I598T.
Identifiers: ClinVar variation 1001360 (VCV001001360.7), dbSNP rs754505182, ClinGen allele CA3338749.

ClinVar aggregate classification (germline): Uncertain significance. Review status: criteria provided, multiple submitters, no conflicts (2 of 4 stars). 3 submissions from 3 submitters: Uncertain significance (3). Last evaluated 2024-06-14.

Conditions:
Inborn genetic diseases. Identifiers: MedGen C0950123, MeSH D030342.

Allele frequency attached by ClinVar (database versions not stated): gnomAD exomes 0.00002 and 0.00001; TOPMed 0.00006; ExAC 0.00002; gnomAD 0.00002.
gnomAD v4.1: 14 of 1,613,134 alleles (0.00087%); highest among the groups gnomAD compares: African/African-American, 0.008%; no homozygotes.

Submissions (3):

Ambry Genetics
Classification: Uncertain significance for Inborn genetic diseases. Last evaluated: 2024-06-14. Review status: criteria provided, single submitter. Criteria: Ambry Variant Classification Scheme 2023. Collection method: clinical testing. Allele origin: germline.

Blueprint Genetics
Classification: Uncertain significance. Last evaluated: 2023-12-14. Review status: criteria provided, single submitter. Criteria: ACMG Guidelines, 2015. Collection method: clinical testing. Allele origin: germline.

Labcorp Genetics (formerly Invitae), Labcorp
Classification: Uncertain significance. Last evaluated: 2022-06-13. Review status: criteria provided, single submitter. Criteria: Invitae Variant Classification Sherloc (09022015). Collection method: clinical testing. Allele origin: germline.
Comment: This sequence change replaces isoleucine, which is neutral and non-polar, with threonine, which is neutral and polar, at codon 598 of the ADGRV1 protein (p.Ile598Thr). This variant is present in population databases (rs754505182, gnomAD 0.02%). This variant has not been reported in the literature in individuals affected with ADGRV1-related conditions. ClinVar contains an entry for this variant (Variation ID: 1001360). Algorithms developed to predict the effect of missense changes on protein structure and function are either unavailable or do not agree on the potential impact of this missense change (SIFT: "Deleterious"; PolyPhen-2: "Possibly Damaging"; Align-GVGD: "Class C0"). In summary, the available evidence is currently insufficient to determine the role of this variant in disease. Therefore, it has been classified as a Variant of Uncertain Significance.